The following is an entry in ClinVar:

NM_004655.4(AXIN2):c.2488A>G (p.Met830Val)

Gene: AXIN2 (axin 2; minus strand). Cytogenetic location: 17q24.1.
Variant type: single nucleotide variant.
Coding change: c.2488A>G on transcript NM_004655.4 (MANE Select); coding-DNA position 2488, A replaced by G.
Protein change: p.Met830Val; replaces methionine 830 with valine.
Molecular consequence: missense variant.
Genome position (GRCh38, 1-based): chr17:65,530,020, T>C on the plus strand (A>G on the coding strand, the complement: AXIN2 is on the minus strand). VCF-style: chr17-65530020-T-C. GRCh37 (hg19) VCF-style: chr17-63526138-T-C.
Other names: c.2293A>G, p.Met765Val (NM_001363813.1); short protein forms M765V, M830V.
Identifiers: ClinVar variation 1792011 (VCV001792011.2), dbSNP rs2509368179, ClinGen allele CA400674800.

ClinVar aggregate classification (germline): Uncertain significance (1 of 4 stars; one submission).

Conditions:
Hereditary cancer-predisposing syndrome. Also called: Hereditary Cancer Syndrome; Hereditary neoplastic syndrome; Tumor predisposition; Neoplastic Syndromes, Hereditary. Identifiers: Orphanet 140162, MedGen C0027672, MeSH D009386, MONDO:0015356.

Submission:

Ambry Genetics
Classification: Uncertain significance for Hereditary cancer-predisposing syndrome. Last evaluated: 2021-02-19. Review status: criteria provided, single submitter. Criteria: Ambry Variant Classification Scheme 2023. Collection method: clinical testing. Allele origin: germline.
Comment: The p.M830V variant (also known as c.2488A>G), located in coding exon 10 of the AXIN2 gene, results from an A to G substitution at nucleotide position 2488. The methionine at codon 830 is replaced by valine, an amino acid with highly similar properties. This amino acid position is well conserved in available vertebrate species. In addition, this alteration is predicted to be tolerated by in silico analysis. Since supporting evidence is limited at this time, the clinical significance of this alteration remains unclear.